The following is an entry in ClinVar:

NM_020745.4(AARS2):c.2353C>G (p.Gln785Glu)

Gene: AARS2 (alanyl-tRNA synthetase 2, mitochondrial; minus strand). Cytogenetic location: 6p21.1.
Variant type: single nucleotide variant.
Coding change: c.2353C>G on transcript NM_020745.4 (MANE Select); coding-DNA position 2353, C replaced by G.
Protein change: p.Gln785Glu; replaces glutamine 785 with glutamic acid.
Molecular consequence: missense variant.
Genome position (GRCh38, 1-based): chr6:44,302,813, G>C on the plus strand (C>G on the coding strand, the complement: AARS2 is on the minus strand). VCF-style: chr6-44302813-G-C. GRCh37 (hg19) VCF-style: chr6-44270550-G-C.
Other names: p.Q785E:CAG>GAG; short protein forms Q785E.
Identifiers: ClinVar variation 213947 (VCV000213947.4), dbSNP rs863223859, ClinGen allele CA322420.

ClinVar aggregate classification (germline): Conflicting classifications of pathogenicity. Review status: criteria provided, conflicting classifications (1 of 4 stars). 3 submissions from 3 submitters: Uncertain significance (2); Likely benign (1). Last evaluated 2024-09-09.

Conditions:
Inborn genetic diseases. Identifiers: MedGen C0950123, MeSH D030342.

Allele frequency attached by ClinVar (database versions not stated): gnomAD exomes below 0.00001 and 0.00001.
gnomAD v4.1: 4 of 1,613,494 alleles (0.00025%); highest among the groups gnomAD compares: Admixed American, 0.0067%; no homozygotes.

Submissions (3):

Ambry Genetics
Classification: Uncertain significance for Inborn genetic diseases. Last evaluated: 2024-09-09. Review status: criteria provided, single submitter. Criteria: Ambry Variant Classification Scheme 2023. Collection method: clinical testing. Allele origin: germline.

Labcorp Genetics (formerly Invitae), Labcorp
Classification: Uncertain significance. Last evaluated: 2022-05-15. Review status: criteria provided, single submitter. Criteria: Invitae Variant Classification Sherloc (09022015). Collection method: clinical testing. Allele origin: germline.
Comment: This sequence change replaces glutamine, which is neutral and polar, with glutamic acid, which is acidic and polar, at codon 785 of the AARS2 protein (p.Gln785Glu). This variant is present in population databases (no rsID available, gnomAD 0.006%). This variant has not been reported in the literature in individuals affected with AARS2-related conditions. ClinVar contains an entry for this variant (Variation ID: 213947). Advanced modeling of protein sequence and biophysical properties (such as structural, functional, and spatial information, amino acid conservation, physicochemical variation, residue mobility, and thermodynamic stability) performed at Invitae indicates that this missense variant is not expected to disrupt AARS2 protein function. In summary, the available evidence is currently insufficient to determine the role of this variant in disease. Therefore, it has been classified as a Variant of Uncertain Significance.

GeneDx
Classification: Likely benign. Last evaluated: 2012-09-27. Review status: criteria provided, single submitter. Criteria: GeneDx Variant Classification (06012015). Collection method: clinical testing. Allele origin: germline. Affected: yes.
Comment: This variant is considered likely benign or benign based on one or more of the following criteria: it is a conservative change, it occurs at a poorly conserved position in the protein, it is predicted to be benign by multiple in silico algorithms, and/or has population frequency not consistent with disease.